The following is an entry in ClinVar:

ClinVar aggregate classification (germline): Uncertain significance (1 of 4 stars; one submission).

Submission:

Labcorp Genetics (formerly Invitae), Labcorp
Classification: Uncertain significance. Last evaluated: 2021-04-23. Review status: criteria provided, single submitter. Criteria: Invitae Variant Classification Sherloc (09022015). Collection method: clinical testing. Allele origin: germline.
Comment: In summary, the available evidence is currently insufficient to determine the role of this variant in disease. Therefore, it has been classified as a Variant of Uncertain Significance. Nucleotide substitutions within the consensus splice site are a relatively common cause of aberrant splicing (PMID: 17576681, 9536098). Algorithms developed to predict the effect of sequence changes on RNA splicing suggest that this variant may disrupt the consensus splice site, but this prediction has not been confirmed by published transcriptional studies. This variant has not been reported in the literature in individuals with USB1-related conditions. This variant is not present in population databases (ExAC no frequency). This sequence change falls in intron 1 of the USB1 gene. It does not directly change the encoded amino acid sequence of the USB1 protein. It affects a nucleotide within the consensus splice site of the intron.

Literature cited by the submitters: PubMed 17576681; PubMed 9536098.

NM_024598.4(USB1):c.98+5G>C

Genes: USB1 (U6 snRNA biogenesis phosphodiesterase 1; plus strand), LOC130059131 (ATAC-STARR-seq lymphoblastoid active region 10920; plus strand). Cytogenetic location: 16q21.
Variant type: single nucleotide variant.
Coding change: c.98+5G>C on transcript NM_024598.4 (MANE Select); 5 bases into the intron after coding-DNA position 98, G replaced by C.
Molecular consequence: intron variant.
Genome position (GRCh38, 1-based): chr16:58,001,586, G>C. VCF-style: chr16-58001586-G-C. GRCh37 (hg19) VCF-style: chr16-58035490-G-C.
Other names: c.-55-893G>C (NM_001330568.2); c.98+5G>C (NM_001195302.2, NM_001204911.2, NM_001330569.2).
Identifiers: ClinVar variation 1350383 (VCV001350383.6), dbSNP rs2142288968, ClinGen allele CA396085334.
Genomic context (GRCh38, chr16:58,001,586, plus strand): 5'-GAGGATGAGTCCGAGGACGGGATGCGGACCAGGCCGGGGGATGGGAGCCACCGTCGGTGA[G>C]GAGTGAGGAAGTCTCTCCGGAGGGCGCGCGCATTCACCCTAGAGCCAGACGGGACCCGAA-3'